The following is an entry in ClinVar:

NM_182961.4(SYNE1):c.24825G>A (p.Pro8275=)

Gene: SYNE1 (spectrin repeat containing nuclear envelope protein 1; minus strand). Cytogenetic location: 6q25.2.
Variant type: single nucleotide variant.
Coding change: c.24825G>A on transcript NM_182961.4 (MANE Select); coding-DNA position 24825, G replaced by A.
Protein change: p.Pro8275=; no amino-acid change (proline 8275 retained).
Molecular consequence: synonymous variant.
Genome position (GRCh38, 1-based): chr6:152,148,196, C>T on the plus strand (G>A on the coding strand, the complement: SYNE1 is on the minus strand). VCF-style: chr6-152148196-C-T. GRCh37 (hg19) VCF-style: chr6-152469331-C-T.
Other names: p.Pro8204=; c.1431G>A, p.Pro477= (NM_001347701.2); c.1290G>A, p.Pro430= (NM_001347702.2); c.24612G>A, p.Pro8204= (NM_033071.5).
Identifiers: ClinVar variation 130427 (VCV000130427.34), dbSNP rs2252748, ClinGen allele CA155428.

ClinVar aggregate classification (germline): Benign. Review status: criteria provided, multiple submitters, no conflicts (2 of 4 stars). 14 submissions from 13 submitters: Benign (9). 5 of the submissions do not count toward it. Last evaluated 2026-02-03.

Conditions:
Emery-Dreifuss muscular dystrophy 4, autosomal dominant (EDMD4). Also called: EMERY-DREIFUSS MUSCULAR DYSTROPHY 4 WITH VARIABLE FEATURES. Identifiers: Orphanet 261, MedGen C2751807, MONDO:0013071, OMIM 612998.
Autosomal recessive ataxia, Beauce type. Also called: SYNE1 Deficiency; Spinocerebellar ataxia, autosomal recessive 8; ATAXIA, RECESSIVE, OF BEAUCE; SYNE1-Related Autosomal Recessive Cerebellar Ataxia. Identifiers: Orphanet 88644, MedGen C1853116, MONDO:0012549, OMIM 610743.

Allele frequency attached by ClinVar (database versions not stated): gnomAD exomes 0.29408 and 0.31960; gnomAD 0.29787 and 0.30160; ESP Exome Variant Server 0.30094; ExAC 0.31295; TOPMed 0.32158; 1000 Genomes Project 0.33946; 1000 Genomes Project 30x 0.34354.
gnomAD v4.1: 476,193 of 1,613,768 alleles (30%); highest among the groups gnomAD compares: Admixed American, 45%; 72,346 homozygotes.

Submissions (14):

Labcorp Genetics (formerly Invitae), Labcorp
Classification: Benign for Emery-Dreifuss muscular dystrophy 4, autosomal dominant; Autosomal recessive ataxia, Beauce type. Last evaluated: 2026-02-03. Review status: criteria provided, single submitter. Criteria: Invitae Variant Classification Sherloc (09022015). Collection method: clinical testing. Allele origin: germline.

Blueprint Genetics
Classification: Benign. Last evaluated: 2024-11-27. Review status: criteria provided, single submitter. Criteria: ACMG Guidelines, 2015. Collection method: clinical testing. Allele origin: germline.

Athena Diagnostics
Classification: Benign. Last evaluated: 2018-11-02. Review status: criteria provided, single submitter. Criteria: Athena Diagnostics Criteria. Collection method: clinical testing. Allele origin: germline.

Illumina Laboratory Services, Illumina
Classification: Benign for Emery-Dreifuss muscular dystrophy 4, autosomal dominant. Last evaluated: 2018-01-12. Review status: criteria provided, single submitter. Criteria: ICSL Variant Classification Criteria 13 December 2019. Collection method: clinical testing. Allele origin: germline.
Comment: This variant was observed in the ICSL laboratory as part of a predisposition screen in an ostensibly healthy population. It had not been previously curated by ICSL or reported in the Human Gene Mutation Database (HGMD: prior to June 1st, 2018), and was therefore a candidate for classification through an automated scoring system. Utilizing variant allele frequency, disease prevalence and penetrance estimates, and inheritance mode, an automated score was calculated to assess if this variant is too frequent to cause the disease. Based on the score and internal cut-off values, a variant classified as benign is not then subjected to further curation. The score for this variant resulted in a classification of benign for this disease.

Illumina Laboratory Services, Illumina
Classification: Benign for Autosomal recessive ataxia, Beauce type. Last evaluated: 2018-01-12. Review status: criteria provided, single submitter. Criteria: ICSL Variant Classification Criteria 13 December 2019. Collection method: clinical testing. Allele origin: germline.
Comment: the same text as in the submission from Illumina Laboratory Services, Illumina above.

Mayo Clinic Laboratories, Mayo Clinic
Classification: Benign. Last evaluated: 2017-07-25. Review status: criteria provided, single submitter. Criteria: ACMG Guidelines, 2015. Collection method: clinical testing. Allele origin: germline. Observed: 609 variant alleles.

Eurofins Ntd Llc (ga)
Classification: Benign. Last evaluated: 2017-03-09. Review status: criteria provided, single submitter. Criteria: EGL Classification Definitions 2015. Collection method: clinical testing. Allele origin: germline. Observed: 1 variant allele, 1 heterozygote.

GeneDx
Classification: Benign. Last evaluated: 2015-03-03. Review status: criteria provided, single submitter. Criteria: GeneDx Variant Classification Process June 2021. Collection method: clinical testing. Allele origin: germline. Affected: yes.

PreventionGenetics, part of Exact Sciences
Classification: Benign. Review status: criteria provided, single submitter. Criteria: ACMG Guidelines, 2015. Collection method: clinical testing. Allele origin: germline.

Clinical Genetics DNA and cytogenetics Diagnostics Lab, Erasmus MC, Erasmus Medical Center
Classification: Benign. Review status: no assertion criteria provided. Collection method: clinical testing. Allele origin: germline. Affected: yes. Study: VKGL Data-share Consensus. Not counted in ClinVar's aggregate classification.

Clinical Genetics, Academic Medical Center
Classification: Benign. Review status: no assertion criteria provided. Collection method: clinical testing. Allele origin: germline. Affected: yes. Study: VKGL Data-share Consensus. Not counted in ClinVar's aggregate classification.

Diagnostic Laboratory, Department of Genetics, University Medical Center Groningen
Classification: Benign. Review status: no assertion criteria provided. Collection method: clinical testing. Allele origin: germline. Affected: yes. Study: VKGL Data-share Consensus. Not counted in ClinVar's aggregate classification.

Genetic Services Laboratory, University of Chicago
Classification: Likely benign for AllHighlyPenetrant. Review status: no assertion criteria provided. Collection method: clinical testing. Allele origin: germline. Inheritance: Autosomal dominant inheritance. Not counted in ClinVar's aggregate classification.
Comment: Likely benign based on allele frequency in 1000 Genomes Project or ESP global frequency and its presence in a patient with a rare or unrelated disease phenotype. NOT Sanger confirmed.

Joint Genome Diagnostic Labs from Nijmegen and Maastricht, Radboudumc and MUMC+
Classification: Benign. Review status: no assertion criteria provided. Collection method: clinical testing. Allele origin: germline. Affected: yes. Study: VKGL Data-share Consensus. Not counted in ClinVar's aggregate classification.